The following is an entry in ClinVar:

ClinVar aggregate classification (germline): Pathogenic. Review status: criteria provided, single submitter (1 of 4 stars). 3 submissions from 3 submitters: Pathogenic (1). 2 of the submissions do not count toward it. Last evaluated 2018-12-12.

Conditions:
Tatton-Brown-Rahman overgrowth syndrome. Also called: Tall stature-intellectual disability-facial dysmorphism syndrome; Tatton-Brown-Rahman syndrome. Identifiers: Orphanet 404443, MedGen C4014545, MONDO:0014382, OMIM 615879.
DNMT3A-related disorder. Also called: DNMT3A-related disorders; DNMT3A-related condition.
Inborn genetic diseases. Identifiers: MedGen C0950123, MeSH D030342.

Submissions (3):

Ambry Genetics
Classification: Pathogenic for Inborn genetic diseases. Last evaluated: 2018-12-12. Review status: criteria provided, single submitter. Criteria: Ambry exome assertion method (8-5-2015). Collection method: clinical testing. Allele origin: germline. Affected: yes. Observed: 1 variant allele.

PreventionGenetics, part of Exact Sciences
Classification: Likely pathogenic for DNMT3A-related condition. Last evaluated: 2024-04-22. Review status: no assertion criteria provided. Collection method: clinical testing. Allele origin: germline. Not counted in ClinVar's aggregate classification.
Comment: The DNMT3A c.1238dupG variant is predicted to result in a frameshift and premature protein termination (p.Phe414Leufs*7). To our knowledge, this variant has not been reported in the literature. This variant is reported in 0.0040% of alleles in individuals of European (Finnish) descent in gnomAD. Frameshift variants in DNMT3A are expected to be pathogenic. This variant is interpreted as likely pathogenic.

Dave Chen Lab, Washington University School of Medicine
Classification: Pathogenic for Tatton-Brown-Rahman overgrowth syndrome. Last evaluated: 2023-03-28. Review status: no assertion criteria provided. Collection method: research. Allele origin: germline. Affected: yes. Not counted in ClinVar's aggregate classification.
Comment: The c.1238dupG variant in DNMT3A is predicted to cause a frameshift-termination at F414*. This is associated with clinical and DNA methylation phenotypes in Tatton-Brown-Rahman Syndrome (PMID: 34315901)

Literature cited by the submitters: PubMed 34315901 (cited by Dave Chen Lab, Washington University School of Medicine).

NM_022552.5(DNMT3A):c.1238dup (p.Phe414fs)

Gene: DNMT3A (DNA methyltransferase 3 alpha; minus strand). Cytogenetic location: 2p23.3.
Variant type: Duplication.
Coding change: c.1238dup on transcript NM_022552.5 (MANE Select); coding-DNA position 1238, one base duplicated (G; older notation c.1238dupG).
Protein change: p.Phe414fs; shifts the reading frame from phenylalanine 414.
Molecular consequence: frameshift variant. On other transcripts: non-coding transcript variant (1).
Genome position (GRCh38, 1-based): chr2:25,246,661, C duplicated on the plus strand (G on the coding strand, the reverse complement: DNMT3A is on the minus strand); the first of 6 consecutive C bases (chr2:25,246,661-25,246,666); duplicating any one gives the same sequence. VCF-style (leftmost placement, unchanged base first): chr2-25246660-G-GC. GRCh37 (hg19) VCF-style: chr2-25469529-G-GC.
Other names: c.1238dupG (NM_022552.5, NM_175629.2); c.782dup, p.Phe262fs (NM_001320893.1); c.569dup, p.Phe191fs (NM_001375819.1); c.671dup, p.Phe225fs (NM_153759.3); c.1238dup, p.Phe414fs (NM_175629.2); short protein forms F191fs, F225fs, F262fs, F414fs.
Identifiers: ClinVar variation 985294 (VCV000985294.5), dbSNP rs755744291, ClinGen allele CA531760888.